The following is an entry in ClinVar:

ClinVar aggregate classification (germline): not provided (0 of 4 stars; one submission).

Conditions:
Hyperimmunoglobulin D with periodic fever (HIDS). Also called: HYPERIMMUNOGLOBULINEMIA D AND PERIODIC FEVER SYNDROME; Hyperimmunoglobulinemia D; Hyperimmunoglobulinemia D with periodic fever. Identifiers: Orphanet 343, MedGen C0398691, MONDO:0009849, OMIM 260920.

Submission:

Unité médicale des maladies autoinflammatoires, CHRU Montpellier
No classification provided. Condition: Hyperimmunoglobulin D with periodic fever. Review status: no classification provided. Collection method: not provided. Allele origin: unknown.
Comment: also involved in OMIM 25117

NM_000431.4(MVK):c.1100G>C (p.Cys367Ser)

Gene: MVK (mevalonate kinase; plus strand). Cytogenetic location: 12q24.11.
Variant type: single nucleotide variant.
Coding change: c.1100G>C on transcript NM_000431.4 (MANE Select); coding-DNA position 1100, G replaced by C.
Protein change: p.Cys367Ser; replaces cysteine 367 with serine.
Molecular consequence: missense variant.
Genome position (GRCh38, 1-based): chr12:109,596,486, G>C. VCF-style: chr12-109596486-G-C. GRCh37 (hg19) VCF-style: chr12-110034291-G-C.
Other names: c.1100G>C, p.Cys367Ser (NM_001114185.3); c.944G>C, p.Cys315Ser (NM_001301182.2); short protein forms C367S, C315S.
Identifiers: ClinVar variation 97566 (VCV000097566.1), dbSNP rs104895359, ClinGen allele CA149778.